The following is an entry in ClinVar:

NM_001875.5(CPS1):c.622-3C>T

Gene: CPS1 (carbamoyl-phosphate synthase 1; plus strand). Cytogenetic location: 2q34.
Variant type: single nucleotide variant.
Coding change: c.622-3C>T on transcript NM_001875.5 (MANE Select); 3 bases into the intron before coding-DNA position 622, C replaced by T.
Molecular consequence: intron variant.
Genome position (GRCh38, 1-based): chr2:210,588,055, C>T. VCF-style: chr2-210588055-C-T. GRCh37 (hg19) VCF-style: chr2-211452779-C-T.
Other names: c.622-3C>T (LRG_336t1, NM_001369257.1, NM_001122633.3); c.655-3C>T (NM_001369256.1).
Identifiers: ClinVar variation 666145 (VCV000666145.9), dbSNP rs1574557868, ClinGen allele CA915941634.
Genomic context (GRCh38, chr2:210,588,055, plus strand): 5'-TGATTTTGGTCTGTTGCCCATAGCTGGGACTTCCCTCTCATTCTCTGGTTTTTAAAATGG[C>T]AGGATGTCAAAGTGTACGGCAAAGGAAACCCCACAAAAGTGGTAGCTGTAGACTGTGGGA-3'

ClinVar aggregate classification (germline): Uncertain significance. Review status: criteria provided, single submitter (1 of 4 stars). 2 submissions from 2 submitters: Uncertain significance (1). 1 of the submissions does not count toward it. Last evaluated 2018-12-18.

Conditions:
Congenital hyperammonemia, type I. Also called: Carbamoyl phosphate synthetase 1 deficiency; Hyperammonemia due to carbamoyl phosphate synthetase 1 deficiency; CPS 1 deficiency; Carbamyl phosphate synthetase (CPS) deficiency; Carbamoyl phosphate synthetase I deficiency disease; Carbamoyl-phosphate synthase I deficiency. Identifiers: Orphanet 147, MedGen C4082171, MONDO:0009376, OMIM 237300.

Submissions (2):

Labcorp Genetics (formerly Invitae), Labcorp
Classification: Uncertain significance for Congenital hyperammonemia, type I. Last evaluated: 2018-12-18. Review status: criteria provided, single submitter. Criteria: Invitae Variant Classification Sherloc (09022015). Collection method: clinical testing. Allele origin: germline.
Comment: In summary, the available evidence is currently insufficient to determine the role of this variant in disease. Therefore, it has been classified as a Variant of Uncertain Significance. Nucleotide substitutions within the consensus splice site are a relatively common cause of aberrant splicing (PMID: 17576681, 9536098). Algorithms developed to predict the effect of sequence changes on RNA splicing suggest that this variant may create or strengthen a splice site, but this prediction has not been confirmed by published transcriptional studies. This variant has not been reported in the literature in individuals with CPS1-related disease. This variant is not present in population databases (ExAC no frequency). This sequence change falls in intron 6 of the CPS1 gene. It does not directly change the encoded amino acid sequence of the CPS1 protein, but it affects a nucleotide within the consensus splice site of the intron.

Natera, Inc.
Classification: Uncertain significance for Carbamoyl-phosphate synthase I deficiency. Last evaluated: 2025-02-05. Review status: no assertion criteria provided. Collection method: clinical testing. Allele origin: germline. Not counted in ClinVar's aggregate classification.

Literature cited by the submitters: PubMed 17576681 (cited by Labcorp Genetics (formerly Invitae), Labcorp); PubMed 9536098 (cited by Labcorp Genetics (formerly Invitae), Labcorp).